The following is an entry in ClinVar:

NM_138393.4(REEP6):c.542C>T (p.Pro181Leu)

Gene: REEP6 (receptor accessory protein 6; plus strand). Cytogenetic location: 19p13.3.
Variant type: single nucleotide variant.
Coding change: c.542C>T on transcript NM_138393.4 (MANE Select); coding-DNA position 542, C replaced by T.
Protein change: p.Pro181Leu; replaces proline 181 with leucine.
Molecular consequence: missense variant.
Genome position (GRCh38, 1-based): chr19:1,497,198, C>T. VCF-style: chr19-1497198-C-T. GRCh37 (hg19) VCF-style: chr19-1497197-C-T.
Other names: c.623C>T, p.Pro208Leu (NM_001329556.3); c.542C>T (NM_138393.1); short protein forms P181L, P208L.
Identifiers: ClinVar variation 2185065 (VCV002185065.2), dbSNP rs1181930630, ClinGen allele CA402995219.

ClinVar aggregate classification (germline): Uncertain significance. Review status: criteria provided, multiple submitters, no conflicts (2 of 4 stars). 2 submissions from 2 submitters: Uncertain significance (2). Last evaluated 2025-02-24.

Conditions:
Inborn genetic diseases. Identifiers: MedGen C0950123, MeSH D030342.

Allele frequency attached by ClinVar (database versions not stated): gnomAD 0.00001.

Submissions (2):

Ambry Genetics
Classification: Uncertain significance for Inborn genetic diseases. Last evaluated: 2025-02-24. Review status: criteria provided, single submitter. Criteria: Ambry Variant Classification Scheme 2023. Collection method: clinical testing. Allele origin: germline.

Labcorp Genetics (formerly Invitae), Labcorp
Classification: Uncertain significance. Last evaluated: 2022-03-04. Review status: criteria provided, single submitter. Criteria: Invitae Variant Classification Sherloc (09022015). Collection method: clinical testing. Allele origin: germline.
Comment: This sequence change replaces proline, which is neutral and non-polar, with leucine, which is neutral and non-polar, at codon 208 of the REEP6 protein (p.Pro208Leu). This variant is not present in population databases (gnomAD no frequency). This variant has not been reported in the literature in individuals affected with REEP6-related conditions. Algorithms developed to predict the effect of missense changes on protein structure and function output the following: SIFT: "Not Available"; PolyPhen-2: "Not Available"; Align-GVGD: "Not Available". The leucine amino acid residue is found in multiple mammalian species, which suggests that this missense change does not adversely affect protein function. In summary, the available evidence is currently insufficient to determine the role of this variant in disease. Therefore, it has been classified as a Variant of Uncertain Significance.